The following is an entry in ClinVar:

NM_004371.4(COPA):c.1783A>G (p.Thr595Ala)

Gene: COPA (coat protein complex I subunit alpha; minus strand). Cytogenetic location: 1q23.2.
Variant type: single nucleotide variant.
Coding change: c.1783A>G on transcript NM_004371.4 (MANE Select); coding-DNA position 1783, A replaced by G.
Protein change: p.Thr595Ala; replaces threonine 595 with alanine.
Molecular consequence: missense variant.
Genome position (GRCh38, 1-based): chr1:160,299,149, T>C on the plus strand (A>G on the coding strand, the complement: COPA is on the minus strand). VCF-style: chr1-160299149-T-C. GRCh37 (hg19) VCF-style: chr1-160268939-T-C.
Other names: c.1810A>G, p.Thr604Ala (NM_001098398.2); c.1810A>G (NM_001098398.1); short protein forms T604A, T595A.
Identifiers: ClinVar variation 1432335 (VCV001432335.9), dbSNP rs2101829389, ClinGen allele CA343280781.
Genomic context (GRCh38, chr1:160,299,149, plus strand): 5'-CCTCACTTCATACCTCATCATATTTTCTGTTGATCAGGGCCAGCTTGAATTTGAACTCAG[T>C]GGGATCAATGGTGAGTACCCGGGGACGACACTCCCTGTCTAGGCAGTATACATTGTTGCC-3'
Protein context (NP_004362.2, residues 585-605): CRPRVLTIDP[Thr595Ala]EFKFKLALIN

ClinVar aggregate classification (germline): Uncertain significance. Review status: criteria provided, multiple submitters, no conflicts (2 of 4 stars). 2 submissions from 2 submitters: Uncertain significance (2). Last evaluated 2025-04-13.

Conditions:
Autoimmune interstitial lung disease-arthritis syndrome. Also called: Autoinflammation and autoimmunity, systemic, with immune dysregulation. Identifiers: Orphanet 444092, MedGen C5975714, MONDO:0014629.
Inborn genetic diseases. Identifiers: MedGen C0950123, MeSH D030342.

Allele frequency attached by ClinVar (database versions not stated): gnomAD exomes below 0.00001.
gnomAD v4.1: 1 of 1,614,208 alleles (0.000062%); highest among the groups gnomAD compares: Middle Eastern, 0.016%; no homozygotes.

Submissions (2):

Labcorp Genetics (formerly Invitae), Labcorp
Classification: Uncertain significance for Autoimmune interstitial lung disease-arthritis syndrome. Last evaluated: 2025-04-13. Review status: criteria provided, single submitter. Criteria: Invitae Variant Classification Sherloc (09022015). Collection method: clinical testing. Allele origin: germline.
Comment: This sequence change replaces threonine, which is neutral and polar, with alanine, which is neutral and non-polar, at codon 595 of the COPA protein (p.Thr595Ala). This variant is not present in population databases (gnomAD no frequency). This variant has not been reported in the literature in individuals affected with COPA-related conditions. ClinVar contains an entry for this variant (Variation ID: 1432335). Invitae Evidence Modeling of protein sequence and biophysical properties (such as structural, functional, and spatial information, amino acid conservation, physicochemical variation, residue mobility, and thermodynamic stability) has been performed for this missense variant. However, the output from this modeling did not meet the statistical confidence thresholds required to predict the impact of this variant on COPA protein function. In summary, the available evidence is currently insufficient to determine the role of this variant in disease. Therefore, it has been classified as a Variant of Uncertain Significance.

Ambry Genetics
Classification: Uncertain significance for Inborn genetic diseases. Last evaluated: 2022-03-28. Review status: criteria provided, single submitter. Criteria: Ambry Variant Classification Scheme 2023. Collection method: clinical testing. Allele origin: germline.